The following is an entry in ClinVar:

ClinVar aggregate classification (germline): Uncertain significance (1 of 4 stars; one submission).

Conditions:
Nephrolithiasis/nephrocalcinosis. Identifiers: MedGen CN580796.

Submission:

Ambry Genetics
Classification: Uncertain significance for Nephrolithiasis/nephrocalcinosis. Last evaluated: 2024-07-12. Review status: criteria provided, single submitter. Criteria: Ambry Variant Classification Scheme 2023. Collection method: clinical testing. Allele origin: germline.
Comment: The c.3069_3073delAGATC variant, located in coding exon 6 of the CASR gene, results from a deletion of 5 nucleotides at nucleotide positions 3069 to 3073, causing a translational frameshift with a predicted alternate stop codon (p.L1023Ffs*24). This alteration occurs at the 3' terminus of theCASR gene, is not expected to trigger nonsense-mediated mRNAdecay, and only impacts the last 5% of the protein. The exact functional effect of this alteration is unknown. Based on the available evidence, the clinical significance of this variant remains unclear.

NM_000388.4(CASR):c.3069_3073del (p.Leu1023fs)

Gene: CASR (calcium sensing receptor; plus strand). Cytogenetic location: 3q21.1.
Variant type: Deletion.
Coding change: c.3069_3073del on transcript NM_000388.4 (MANE Select); coding-DNA positions 3069 to 3073, 5 bases deleted (AGATC; older notation c.3069_3073delAGATC).
Protein change: p.Leu1023fs; shifts the reading frame from leucine 1023.
Molecular consequence: frameshift variant.
Genome position (GRCh38, 1-based): chr3:122,285,023-122,285,027, AGATC deleted. VCF-style (leftmost placement, unchanged base first): chr3-122285022-TAGATC-T. GRCh37 (hg19) VCF-style: chr3-122003869-TAGATC-T.
Other names: c.3099_3103del, p.Leu1033fs (NM_001178065.2); short protein forms L1023fs, L1033fs.
Identifiers: ClinVar variation 3485309 (VCV003485309.1).